The following is an entry in ClinVar:

ClinVar aggregate classification (germline): Benign. Review status: criteria provided, multiple submitters, no conflicts (2 of 4 stars). 8 submissions from 8 submitters: Benign (6). 2 of the submissions do not count toward it. Last evaluated 2026-02-04.

Conditions:
Osteogenesis imperfecta type 7 (OI7). Also called: Osteogenesis imperfecta type 2B; OI type 2B; Osteogenesis imperfecta, perinatal lethal autosomal recessive; OI type IIB; OI type 7; OI type VII. Identifiers: MedGen C1853162, MONDO:0012536, OMIM 610682.

Allele frequency attached by ClinVar (database versions not stated): gnomAD exomes 0.11861 and 0.17153; ESP Exome Variant Server 0.16569; ExAC 0.17037; gnomAD 0.18059 and 0.18501; TOPMed 0.18921; 1000 Genomes Project 30x 0.27826; 1000 Genomes Project 0.28235.
gnomAD v4.1: 202,629 of 1,613,334 alleles (13%); highest among the groups gnomAD compares: East Asian, 60%; 20,994 homozygotes.

Submissions (8):

Labcorp Genetics (formerly Invitae), Labcorp
Classification: Benign for Osteogenesis imperfecta type 7. Last evaluated: 2026-02-04. Review status: criteria provided, single submitter. Criteria: Invitae Variant Classification Sherloc (09022015). Collection method: clinical testing. Allele origin: germline.

Mayo Clinic Laboratories, Mayo Clinic
Classification: Benign. Last evaluated: 2022-04-26. Review status: criteria provided, single submitter. Criteria: ACMG Guidelines, 2015. Collection method: clinical testing. Allele origin: germline. Observed: 30 variant alleles.

Illumina Laboratory Services, Illumina
Classification: Benign for Osteogenesis imperfecta type 7. Last evaluated: 2018-01-13. Review status: criteria provided, single submitter. Criteria: ICSL Variant Classification Criteria 13 December 2019. Collection method: clinical testing. Allele origin: germline.
Comment: This variant was observed in the ICSL laboratory as part of a predisposition screen in an ostensibly healthy population. It had not been previously curated by ICSL or reported in the Human Gene Mutation Database (HGMD: prior to June 1st, 2018), and was therefore a candidate for classification through an automated scoring system. Utilizing variant allele frequency, disease prevalence and penetrance estimates, and inheritance mode, an automated score was calculated to assess if this variant is too frequent to cause the disease. Based on the score and internal cut-off values, a variant classified as benign is not then subjected to further curation. The score for this variant resulted in a classification of benign for this disease.

GeneDx
Classification: Benign. Last evaluated: 2016-04-14. Review status: criteria provided, single submitter. Criteria: GeneDx Variant Classification (06012015). Collection method: clinical testing. Allele origin: germline. Affected: yes.
Comment: This variant is considered likely benign or benign based on one or more of the following criteria: it is a conservative change, it occurs at a poorly conserved position in the protein, it is predicted to be benign by multiple in silico algorithms, and/or has population frequency not consistent with disease.

Eurofins Ntd Llc (ga)
Classification: Benign. Last evaluated: 2015-11-17. Review status: criteria provided, single submitter. Criteria: EGL Classification Definitions 2015. Collection method: clinical testing. Allele origin: germline. Observed: 26 variant alleles, 24 heterozygotes, 2 homozygotes.

Breakthrough Genomics
Classification: Benign. Review status: criteria provided, single submitter. Criteria: ACMG Guidelines, 2015. Collection method: not provided. Allele origin: germline. Inheritance: Autosomal recessive inheritance. Affected: yes.

Diagnostic Laboratory, Department of Genetics, University Medical Center Groningen
Classification: Benign for Osteogenesis imperfecta type 7. Review status: no assertion criteria provided. Collection method: clinical testing. Allele origin: germline. Affected: yes. Study: VKGL Data-share Consensus. Not counted in ClinVar's aggregate classification.

Genome Diagnostics Laboratory, Amsterdam University Medical Center
Classification: Benign. Review status: no assertion criteria provided. Collection method: clinical testing. Allele origin: germline. Affected: yes. Study: VKGL Data-share Consensus. Not counted in ClinVar's aggregate classification.

NM_006371.5(CRTAP):c.534C>T (p.Asp178=)

Gene: CRTAP (cartilage associated protein; plus strand). Cytogenetic location: 3p22.3.
Variant type: single nucleotide variant.
Coding change: c.534C>T on transcript NM_006371.5 (MANE Select); coding-DNA position 534, C replaced by T.
Protein change: p.Asp178=; no amino-acid change (aspartic acid 178 retained).
Molecular consequence: synonymous variant. On other transcripts: intron variant (1).
Genome position (GRCh38, 1-based): chr3:33,120,406, C>T. VCF-style: chr3-33120406-C-T. GRCh37 (hg19) VCF-style: chr3-33161898-C-T.
Other names: p.Asp178=; c.534C>T, p.Asp178= (NM_001393363.1, NM_001393364.1); c.472-4002C>T (NM_001393365.1).
Identifiers: ClinVar variation 195265 (VCV000195265.19), dbSNP rs4076086, ClinGen allele CA201645.
Genomic context (GRCh38, chr3:33,120,406, plus strand): 5'-AAATAATCTCCCCAAAGCCATCGCCGCTGCTCACACCTTTCTACTGAAGCATCCTGATGA[C>T]GAAATGATGAAGAGGAACATGGCATATTATAAGAGCCTGCCTGGTGCCGAGGACTACATT-3'
Protein context (NP_006362.1, residues 168-188): AHTFLLKHPD[Asp178=]EMMKRNMAYY